The following is an entry in ClinVar:

ClinVar aggregate classification (germline): Uncertain significance. Review status: criteria provided, multiple submitters, no conflicts (2 of 4 stars). 3 submissions from 3 submitters: Uncertain significance (3). Last evaluated 2025-09-02.

Conditions:
Cutis laxa, autosomal dominant 3 (ADCL3). Identifiers: Orphanet 90348, MedGen C4225268, MONDO:0014706, OMIM 616603.
de Barsy syndrome. Also called: Cutis laxa-corneal clouding-oligophrenia syndrome. Identifiers: Orphanet 2962, MedGen C0268354, MONDO:0017569.
Autosomal dominant spastic paraplegia type 9. Identifiers: MedGen C1832669, MONDO:0015091.

Allele frequency attached by ClinVar (database versions not stated): gnomAD exomes 0.00003 and 0.00008; ExAC 0.00004; gnomAD 0.00004 and 0.00005; TOPMed 0.00006.
gnomAD v4.1: 123 of 1,613,860 alleles (0.0076%); highest among the groups gnomAD compares: Non-Finnish European, 0.0098%; no homozygotes.

Submissions (4):

Mayo Clinic Laboratories, Mayo Clinic
Classification: Uncertain significance. Last evaluated: 2025-09-02. Review status: criteria provided, single submitter. Criteria: ACMG Guidelines, 2015. Collection method: clinical testing. Allele origin: germline. Observed: 1 variant allele.
Comment: BP4_moderate, PM2_supporting

CeGaT Center for Human Genetics Tuebingen
Classification: Uncertain significance. Last evaluated: 2025-09-01. Review status: criteria provided, single submitter. Criteria: CeGaT Center For Human Genetics Tuebingen Variant Classification Criteria Version 2. Collection method: clinical testing. Allele origin: germline. Affected: yes. Observed: 1 variant allele.
Comment: ALDH18A1: PM2

Labcorp Genetics (formerly Invitae), Labcorp
Classification: Uncertain significance for Autosomal dominant spastic paraplegia type 9; de Barsy syndrome; Cutis laxa, autosomal dominant 3. Last evaluated: 2025-07-08. Review status: criteria provided, single submitter. Criteria: Invitae Variant Classification Sherloc (09022015). Collection method: clinical testing. Allele origin: germline.
Comment: This sequence change replaces arginine, which is basic and polar, with glutamine, which is neutral and polar, at codon 622 of the ALDH18A1 protein (p.Arg622Gln). This variant is present in population databases (rs774274057, gnomAD 0.006%). This variant has not been reported in the literature in individuals affected with ALDH18A1-related conditions. ClinVar contains an entry for this variant (Variation ID: 658959). Invitae Evidence Modeling of protein sequence and biophysical properties (such as structural, functional, and spatial information, amino acid conservation, physicochemical variation, residue mobility, and thermodynamic stability) indicates that this missense variant is not expected to disrupt ALDH18A1 protein function with a negative predictive value of 80%. In summary, the available evidence is currently insufficient to determine the role of this variant in disease. Therefore, it has been classified as a Variant of Uncertain Significance.

Dr. Peter K. Rogan Lab, Western University
No classification provided (evidence only). Condition: Gastric cancer. Review status: no classification provided. Collection method: in vitro. Allele origin: not applicable. Functional consequence: retained intron. Not counted in ClinVar's aggregate classification.

NM_002860.4(ALDH18A1):c.1865G>A (p.Arg622Gln)

Gene: ALDH18A1 (aldehyde dehydrogenase 18 family member A1; minus strand). Cytogenetic location: 10q24.1.
Variant type: single nucleotide variant.
Coding change: c.1865G>A on transcript NM_002860.4 (MANE Select); coding-DNA position 1865, G replaced by A.
Protein change: p.Arg622Gln; replaces arginine 622 with glutamine.
Molecular consequence: missense variant.
Genome position (GRCh38, 1-based): chr10:95,613,800, C>T on the plus strand (G>A on the coding strand, the complement: ALDH18A1 is on the minus strand). VCF-style: chr10-95613800-C-T. GRCh37 (hg19) VCF-style: chr10-97373557-C-T.
Other names: p.Arg622Gln; c.1859G>A, p.Arg620Gln (NM_001017423.2, NM_001323415.2); c.1532G>A, p.Arg511Gln (NM_001323412.2, NM_001323416.2); c.1865G>A, p.Arg622Gln (NM_001323413.2, NM_001323414.2); c.1760G>A, p.Arg587Gln (NM_001323417.2); c.1526G>A, p.Arg509Gln (NM_001323418.2); c.1229G>A, p.Arg410Gln (NM_001323419.2); short protein forms R622Q, R410Q, R587Q, R620Q, R509Q, R511Q.
Identifiers: ClinVar variation 658959 (VCV000658959.54), dbSNP rs774274057, ClinGen allele CA5620206.